The following is an entry in ClinVar:

NM_015631.6(TCTN3):c.577G>T (p.Glu193Ter)

Gene: TCTN3 (tectonic family member 3; minus strand). Cytogenetic location: 10q24.1.
Variant type: single nucleotide variant.
Coding change: c.577G>T on transcript NM_015631.6 (MANE Select); coding-DNA position 577, G replaced by T.
Protein change: p.Glu193Ter; replaces glutamic acid 193 with a stop codon.
Molecular consequence: nonsense. On other transcripts: intron variant (1).
Genome position (GRCh38, 1-based): chr10:95,687,642, C>A on the plus strand (G>T on the coding strand, the complement: TCTN3 is on the minus strand). VCF-style: chr10-95687642-C-A. GRCh37 (hg19) VCF-style: chr10-97447399-C-A.
Other names: c.577G>T, p.Glu193Ter (NM_001410982.1); c.500-483G>T (NM_001143973.2); short protein forms E193*.
Identifiers: ClinVar variation 4791561 (VCV004791561.1).

ClinVar aggregate classification (germline): Pathogenic (1 of 4 stars; one submission).

Conditions:
Joubert syndrome 18 (JBTS18). Identifiers: Orphanet 2754, MedGen C3553758, MONDO:0013896, OMIM 614815.
Orofacial-digital syndrome IV (OFD4). Also called: BARAITSER-BURN SYNDROME; OFD SYNDROME WITH TIBIAL DEFECTS; OFD SYNDROME, BARAITSER-BURN TYPE; OFDS IV; ORAL-FACIAL-DIGITAL SYNDROME, TYPE IV; MOHR-MAJEWSKI SYNDROME. Identifiers: Orphanet 2753, MedGen C0406727, MONDO:0009794, OMIM 258860.

gnomAD v4.1: 2 of 1,614,018 alleles (0.00012%); highest among the groups gnomAD compares: Non-Finnish European, 0.00017%; no homozygotes.

Submission:

Labcorp Genetics (formerly Invitae), Labcorp
Classification: Pathogenic for Joubert syndrome 18; Orofacial-digital syndrome IV. Last evaluated: 2025-06-12. Review status: criteria provided, single submitter. Criteria: Invitae Variant Classification Sherloc (09022015). Collection method: clinical testing. Allele origin: germline.
Comment: This sequence change creates a premature translational stop signal (p.Glu193*) in the TCTN3 gene. It is expected to result in an absent or disrupted protein product. Loss-of-function variants in TCTN3 are known to be pathogenic (PMID: 2692869, 22883145, 25118024). This variant is not present in population databases (gnomAD no frequency). This variant has not been reported in the literature in individuals affected with TCTN3-related conditions. Algorithms developed to predict the effect of sequence changes on RNA splicing suggest that this variant may disrupt the consensus splice site. For these reasons, this variant has been classified as Pathogenic.

Literature cited by the submitters: PubMed 2692869; PubMed 22883145; PubMed 25118024.